The following is an entry in ClinVar:

ClinVar aggregate classification (germline): Likely pathogenic (0 of 4 stars; one submission).

Conditions:
X-linked immunodeficiency with magnesium defect, Epstein-Barr virus infection and neoplasia. Identifiers: Orphanet 317476, MedGen C3275445, MONDO:0010455, OMIM 300853.

Submission:

Department of Internal Medicine, Division of Allergy and Immunology, Ege University Faculty of Medicine
Classification: Likely pathogenic for X-linked immunodeficiency with magnesium defect, Epstein-Barr virus infection and neoplasia. Last evaluated: 2026-01-07. Review status: no assertion criteria provided. Collection method: clinical testing. Allele origin: germline. Inheritance: X-linked recessive inheritance. Affected: yes.
Comment: Frameshift mutation predicted to result in loss of function.

NM_001367916.1(MAGT1):c.369_370insCC (p.Gly124fs)

Gene: MAGT1 (magnesium transporter 1; minus strand). Cytogenetic location: Xq21.1.
Variant type: Insertion.
Coding change: c.369_370insCC on transcript NM_001367916.1 (MANE Select); coding-DNA positions 369 to 370, CC inserted.
Protein change: p.Gly124fs; shifts the reading frame from glycine 124.
Molecular consequence: frameshift variant.
Genome position: GRCh38 VCF-style: chrX-77870828-C-CGG. GRCh37 (hg19) VCF-style: chrX-77126325-C-CGG.
Other names: c.465_466insCC, p.Gly156fs (NM_032121.5); short protein forms G124fs, G156fs.
Identifiers: ClinVar variation 4685464 (VCV004685464.1).